The following is an entry in ClinVar:

NM_001429.4(EP300):c.1351C>G (p.Pro451Ala)

Gene: EP300 (EP300 lysine acetyltransferase; plus strand). Cytogenetic location: 22q13.2.
Variant type: single nucleotide variant.
Coding change: c.1351C>G on transcript NM_001429.4 (MANE Select); coding-DNA position 1351, C replaced by G.
Protein change: p.Pro451Ala; replaces proline 451 with alanine.
Molecular consequence: missense variant.
Genome position (GRCh38, 1-based): chr22:41,131,456, C>G. VCF-style: chr22-41131456-C-G. GRCh37 (hg19) VCF-style: chr22-41527460-C-G.
Other names: c.1351C>G, p.Pro451Ala (NM_001362843.2); short protein forms P451A.
Identifiers: ClinVar variation 723861 (VCV000723861.7), dbSNP rs151308825, ClinGen allele CA10252494.

ClinVar aggregate classification (germline): Likely benign. Review status: criteria provided, single submitter (1 of 4 stars). 2 submissions from 2 submitters: Likely benign (1). 1 of the submissions does not count toward it. Last evaluated 2023-09-09.

Conditions:
Rubinstein-Taybi syndrome due to EP300 haploinsufficiency. Also called: RUBINSTEIN-TAYBI SYNDROME 2; EP300-Related Rubinstein-Taybi Syndrome. Identifiers: Orphanet 353284, Orphanet 783, MedGen C3150941, MONDO:0013364, OMIM 613684.
EP300-related disorder. Also called: EP300-related disorders; EP300-related condition.

Allele frequency attached by ClinVar (database versions not stated): TOPMed 0.00002; ESP Exome Variant Server 0.00008.
gnomAD v4.1: 8 of 1,613,890 alleles (0.0005%); highest among the groups gnomAD compares: African/African-American, 0.0094%; no homozygotes.

Submissions (2):

Labcorp Genetics (formerly Invitae), Labcorp
Classification: Likely benign for Rubinstein-Taybi syndrome due to EP300 haploinsufficiency. Last evaluated: 2023-09-09. Review status: criteria provided, single submitter. Criteria: Invitae Variant Classification Sherloc (09022015). Collection method: clinical testing. Allele origin: germline.

PreventionGenetics, part of Exact Sciences
Classification: Uncertain significance for EP300-related condition. Last evaluated: 2024-04-02. Review status: no assertion criteria provided. Collection method: clinical testing. Allele origin: germline. Not counted in ClinVar's aggregate classification.
Comment: The EP300 c.1351C>G variant is predicted to result in the amino acid substitution p.Pro451Ala. To our knowledge, this variant has not been reported in the literature. This variant is reported in 0.0062% of alleles in individuals of African descent in gnomAD. At this time, the clinical significance of this variant is uncertain due to the absence of conclusive functional and genetic evidence.